The following is an entry in ClinVar:

ClinVar aggregate classification (germline): Uncertain significance (1 of 4 stars; one submission).

Submission:

Labcorp Genetics (formerly Invitae), Labcorp
Classification: Uncertain significance. Last evaluated: 2023-07-25. Review status: criteria provided, single submitter. Criteria: Invitae Variant Classification Sherloc (09022015). Collection method: clinical testing. Allele origin: germline.
Comment: This variant has not been reported in the literature in individuals affected with TNFRSF6B-related conditions. Experimental studies and prediction algorithms are not available or were not evaluated, and the functional significance of this variant is currently unknown. In summary, the available evidence is currently insufficient to determine the role of this variant in disease. Therefore, it has been classified as a Variant of Uncertain Significance. This sequence change replaces glutamic acid, which is acidic and polar, with lysine, which is basic and polar, at codon 5 of the TNFRSF6B protein (p.Glu5Lys). This variant is not present in population databases (gnomAD no frequency).

NM_003823.4(TNFRSF6B):c.13G>A (p.Glu5Lys)

Genes: RTEL1-TNFRSF6B (RTEL1-TNFRSF6B readthrough (NMD candidate); plus strand), TNFRSF6B (TNF receptor superfamily member 6b; plus strand). Cytogenetic location: 20q13.33.
Variant type: single nucleotide variant.
Coding change: c.13G>A on transcript NM_003823.4 (MANE Select); coding-DNA position 13, G replaced by A.
Protein change: p.Glu5Lys; replaces glutamic acid 5 with lysine.
Molecular consequence: missense variant. On other transcripts: non-coding transcript variant (1).
Genome position (GRCh38, 1-based): chr20:63,696,780, G>A. VCF-style: chr20-63696780-G-A. GRCh37 (hg19) VCF-style: chr20-62328133-G-A.
Other names: short protein forms E5K.
Identifiers: ClinVar variation 2800235 (VCV002800235.3), dbSNP rs2517213315, ClinGen allele CA409710610.
Genomic context (GRCh38, chr20:63,696,780, plus strand): 5'-GGTCCTGTGTCCGCGCTGAGCCGCGCTCTCCCTGCTCCAGCAAGGACCATGAGGGCGCTG[G>A]AGGGGCCAGGCCTGTCGCTGCTGTGCCTGGTGTTGGCGCTGCCTGCCCTGCTGCCGGTGC-3'
Protein context (NP_003814.1, residues 1-15): MRAL[Glu5Lys]GPGLSLLCLV